The following is an entry in ClinVar:

NM_172107.4(KCNQ2):c.1962_1963del (p.Glu654fs)

Gene: KCNQ2 (potassium voltage-gated channel subfamily Q member 2; minus strand). Cytogenetic location: 20q13.33.
Variant type: Microsatellite.
Coding change: c.1962_1963del on transcript NM_172107.4 (MANE Select); coding-DNA positions 1962 to 1963, 2 bases deleted (GA; older notation c.1962_1963delGA).
Protein change: p.Glu654fs; shifts the reading frame from glutamic acid 654.
Molecular consequence: frameshift variant.
Genome position (GRCh38, 1-based): chr20:63,407,300-63,407,301, TC deleted on the plus strand (GA on the coding strand, the reverse complement: KCNQ2 is on the minus strand); deleting any 2 consecutive bases within chr20:63,407,300-63,407,304 gives the same sequence; the c. name uses the placement nearest the transcript's 3' end. VCF-style (leftmost placement, unchanged base first): chr20-63407299-GTC-G. GRCh37 (hg19) VCF-style: chr20-62038652-GTC-G.
Other names: c.2016_2017del, p.Glu672fs (NM_001382235.1); c.1878_1879del, p.Glu626fs (NM_004518.6); c.1908_1909del, p.Glu636fs (NM_172106.3); c.1869_1870del, p.Glu623fs (NM_172108.5); short protein forms E623fs, E626fs, E636fs, E654fs, E672fs.
Identifiers: ClinVar variation 1783453 (VCV001783453.2), dbSNP rs2516104257, ClinGen allele CA2580616359.
Genomic context (GRCh38, chr20:63,407,299, plus strand): 5'-TCTTCCGGGCTGTGGTACGGCGGCGCCGGCTCCGGCTCTTTGGCCCCAAAGTAGGCCTCG[GTC>G]TCTGTCGGGGGGATGCCCATCCGCTGCATGTAGATATTCACCAGGAAGTCCAGCTTCTTC-3'

ClinVar aggregate classification (germline): Likely pathogenic (1 of 4 stars; one submission).

Conditions:
Inborn genetic diseases. Identifiers: MedGen C0950123, MeSH D030342.

Submission:

Ambry Genetics
Classification: Likely pathogenic for Inborn genetic diseases. Last evaluated: 2019-08-23. Review status: criteria provided, single submitter. Criteria: Ambry Variant Classification Scheme 2023. Collection method: clinical testing. Allele origin: germline.
Comment: The c.1962_1963delGA variant, located in coding exon 17 of the KCNQ2 gene, results from a deletion of two nucleotides at nucleotide positions 1962 to 1963, causing a translational frameshift with a predicted alternate stop codon (p.E654Dfs*210). Frameshifts are typically deleterious in nature, however, this frameshift occurs at the 3' terminus of and is not expected to trigger nonsense-mediated mRNA decay. The exact functional impact of these altered amino acids is unknown at this time; however, similar frameshifts have been reported in a cohort of epilepsy an neurodevelopmental disorder patients (Lindy AS et al. Epilepsia, 2018 05;59:1062-1071). Based on the majority of available evidence to date, this variant is likely to be pathogenic.

Literature cited by the submitters: PubMed 29655203.